The following is an entry in ClinVar:

ClinVar aggregate classification (germline): Uncertain significance (1 of 4 stars; one submission).

Conditions:
Glycogen storage disease, type II (IOPD). Also called: Glucosidase acid-1,4-alpha deficiency; CARDIOMEGALIA GLYCOGENICA DIFFUSA; GLYCOGENOSIS, GENERALIZED, CARDIAC FORM; GSD II; POMPE DISEASE, INFANTILE-ONSET; GLYCOGEN STORAGE DISEASE II, INFANTILE-ONSET. Identifiers: Orphanet 365, MedGen C0017921, MONDO:0009290, OMIM 232300.

Allele frequency attached by ClinVar (database versions not stated): gnomAD below 0.00001 and 0.00001; gnomAD exomes 0.00001 and 0.00002; ExAC 0.00003.
gnomAD v4.1: 13 of 1,611,856 alleles (0.00081%); highest among the groups gnomAD compares: South Asian, 0.013%; no homozygotes.

Submission:

Labcorp Genetics (formerly Invitae), Labcorp
Classification: Uncertain significance for Glycogen storage disease, type II. Last evaluated: 2021-08-27. Review status: criteria provided, single submitter. Criteria: Invitae Variant Classification Sherloc (09022015). Collection method: clinical testing. Allele origin: germline.
Comment: This sequence change replaces alanine with glutamic acid at codon 70 of the GAA protein (p.Ala70Glu). The alanine residue is weakly conserved and there is a moderate physicochemical difference between alanine and glutamic acid. This variant is present in population databases (rs775376321, ExAC 0.01%). This variant has not been reported in the literature in individuals affected with GAA-related conditions. Algorithms developed to predict the effect of missense changes on protein structure and function output the following: SIFT: "Tolerated"; PolyPhen-2: "Benign"; Align-GVGD: "Class C0". The glutamic acid amino acid residue is found in multiple mammalian species, which suggests that this missense change does not adversely affect protein function. In summary, the available evidence is currently insufficient to determine the role of this variant in disease. Therefore, it has been classified as a Variant of Uncertain Significance.

NM_000152.5(GAA):c.209C>A (p.Ala70Glu)

Gene: GAA (alpha glucosidase; plus strand). Cytogenetic location: 17q25.3.
Variant type: single nucleotide variant.
Coding change: c.209C>A on transcript NM_000152.5 (MANE Select); coding-DNA position 209, C replaced by A.
Protein change: p.Ala70Glu; replaces alanine 70 with glutamic acid.
Molecular consequence: missense variant.
Genome position (GRCh38, 1-based): chr17:80,104,795, C>A. VCF-style: chr17-80104795-C-A. GRCh37 (hg19) VCF-style: chr17-78078594-C-A.
Other names: c.209C>A (LRG_673t1); c.209C>A, p.Ala70Glu (NM_001079803.3, NM_001079804.3); short protein forms A70E.
Identifiers: ClinVar variation 641622 (VCV000641622.6), dbSNP rs775376321, ClinGen allele CA8814808.